The following is an entry in ClinVar:

NM_006361.6(HOXB13):c.311C>A (p.Ala104Asp)

Gene: HOXB13 (homeobox B13; minus strand). Cytogenetic location: 17q21.32.
Variant type: single nucleotide variant.
Coding change: c.311C>A on transcript NM_006361.6 (MANE Select); coding-DNA position 311, C replaced by A.
Protein change: p.Ala104Asp; replaces alanine 104 with aspartic acid.
Molecular consequence: missense variant.
Genome position (GRCh38, 1-based): chr17:48,728,283, G>T on the plus strand (C>A on the coding strand, the complement: HOXB13 is on the minus strand). VCF-style: chr17-48728283-G-T. GRCh37 (hg19) VCF-style: chr17-46805645-G-T.
Other names: short protein forms A104D.
Identifiers: ClinVar variation 1410503 (VCV001410503.10), dbSNP rs2143072944, ClinGen allele CA400107715.

ClinVar aggregate classification (germline): Uncertain significance. Review status: criteria provided, multiple submitters, no conflicts (2 of 4 stars). 2 submissions from 2 submitters: Uncertain significance (2). Last evaluated 2025-10-11.

Conditions:
Hereditary cancer-predisposing syndrome. Also called: Hereditary Cancer Syndrome; Tumor predisposition; Hereditary neoplastic syndrome; Neoplastic Syndromes, Hereditary. Identifiers: Orphanet 140162, MedGen C0027672, MeSH D009386, MONDO:0015356.

Submissions (2):

Labcorp Genetics (formerly Invitae), Labcorp
Classification: Uncertain significance. Last evaluated: 2025-10-11. Review status: criteria provided, single submitter. Criteria: Invitae Variant Classification Sherloc (09022015). Collection method: clinical testing. Allele origin: germline.
Comment: This sequence change replaces alanine, which is neutral and non-polar, with aspartic acid, which is acidic and polar, at codon 104 of the HOXB13 protein (p.Ala104Asp). This variant is not present in population databases (gnomAD no frequency). This variant has not been reported in the literature in individuals affected with HOXB13-related conditions. ClinVar contains an entry for this variant (Variation ID: 1410503). Invitae Evidence Modeling of protein sequence and biophysical properties (such as structural, functional, and spatial information, amino acid conservation, physicochemical variation, residue mobility, and thermodynamic stability) indicates that this missense variant is not expected to disrupt HOXB13 protein function with a negative predictive value of 80%. In summary, the available evidence is currently insufficient to determine the role of this variant in disease. Therefore, it has been classified as a Variant of Uncertain Significance.

Ambry Genetics
Classification: Uncertain significance for Hereditary cancer-predisposing syndrome. Last evaluated: 2022-08-19. Review status: criteria provided, single submitter. Criteria: Ambry Variant Classification Scheme 2023. Collection method: clinical testing. Allele origin: germline.
Comment: The p.A104D variant (also known as c.311C>A), located in coding exon 1 of the HOXB13 gene, results from a C to A substitution at nucleotide position 311. The alanine at codon 104 is replaced by aspartic acid, an amino acid with dissimilar properties. This amino acid position is conserved. In addition, this alteration is predicted to be tolerated by in silico analysis. Since supporting evidence is limited at this time, the clinical significance of this alteration remains unclear.